The following is an entry in ClinVar:

ClinVar aggregate classification (germline): Conflicting classifications of pathogenicity. Review status: criteria provided, conflicting classifications (1 of 4 stars). 8 submissions from 4 submitters: Uncertain significance (5); Likely benign (3). Last evaluated 2026-04-14.

Conditions:
Myopathy, myofibrillar, 9, with early respiratory failure (MFM9). Also called: MYOPATHY, PROXIMAL, WITH EARLY RESPIRATORY MUSCLE INVOLVEMENT; Hereditary myopathy with early respiratory failure; Myopathy, distal, with early respiratory failure, autosomal dominant; EDSTROM MYOPATHY. Identifiers: Orphanet 178464, Orphanet 34521, MedGen C1863599, MONDO:0011362, OMIM 603689.
Dilated cardiomyopathy 1G (CMD1G). Identifiers: Orphanet 154, MedGen C1858763, MONDO:0011400, OMIM 604145.
Early-onset myopathy with fatal cardiomyopathy (CMYO5). Also called: Salih Myopathy; CONGENITAL MYOPATHY 5 WITH CARDIOMYOPATHY. Identifiers: Orphanet 289377, MedGen C2673677, MONDO:0012714, OMIM 611705. Disease mechanism: loss of function.
TTN-related disorder. Also called: TTN-related disorders; TTN-related condition; TTN-related disease.
Autosomal recessive limb-girdle muscular dystrophy type 2J (LGMDR10). Also called: Limb-girdle muscular dystrophy, type 2J; MUSCULAR DYSTROPHY, LIMB-GIRDLE, AUTOSOMAL RECESSIVE 10. Identifiers: Orphanet 140922, MedGen C1837342, MONDO:0012127, OMIM 608807.
Tibial muscular dystrophy (TMD). Also called: UDD MYOPATHY; Tibial muscular dystrophy, tardive; Udd Distal Myopathy – Tibial Muscular Dystrophy. Identifiers: Orphanet 609, MedGen C1838244, MONDO:0010870, OMIM 600334.

Allele frequency attached by ClinVar (database versions not stated): gnomAD 0.00001; ExAC 0.00002; TOPMed 0.00002; gnomAD exomes 0.00004.
gnomAD v4.1: 14 of 1,612,392 alleles (0.00087%); highest among the groups gnomAD compares: East Asian, 0.018%; no homozygotes.

Submissions (8):

PreventionGenetics, part of Exact Sciences
Classification: Likely benign for TTN-related condition. Last evaluated: 2026-04-14. Review status: criteria provided, single submitter. Criteria: ACMG Guidelines, 2015. Collection method: clinical testing. Allele origin: germline.
Comment: This variant is classified as likely benign based on ACMG/AMP sequence variant interpretation guidelines (Richards et al. 2015 PMID: 25741868, with internal and published modifications).

Labcorp Genetics (formerly Invitae), Labcorp
Classification: Likely benign for Dilated cardiomyopathy 1G; Autosomal recessive limb-girdle muscular dystrophy type 2J. Last evaluated: 2025-11-24. Review status: criteria provided, single submitter. Criteria: Invitae Variant Classification Sherloc (09022015). Collection method: clinical testing. Allele origin: germline.

Illumina Laboratory Services, Illumina
Classification: Uncertain significance for Tibial muscular dystrophy. Last evaluated: 2018-01-12. Review status: criteria provided, single submitter. Criteria: ICSL Variant Classification Criteria 13 December 2019. Collection method: clinical testing. Allele origin: germline.

Illumina Laboratory Services, Illumina
Classification: Uncertain significance for Dilated cardiomyopathy 1G. Last evaluated: 2018-01-12. Review status: criteria provided, single submitter. Criteria: ICSL Variant Classification Criteria 13 December 2019. Collection method: clinical testing. Allele origin: germline.

Illumina Laboratory Services, Illumina
Classification: Uncertain significance for Autosomal recessive limb-girdle muscular dystrophy type 2J. Last evaluated: 2018-01-12. Review status: criteria provided, single submitter. Criteria: ICSL Variant Classification Criteria 13 December 2019. Collection method: clinical testing. Allele origin: germline.

Illumina Laboratory Services, Illumina
Classification: Uncertain significance for Early-onset myopathy with fatal cardiomyopathy. Last evaluated: 2018-01-12. Review status: criteria provided, single submitter. Criteria: ICSL Variant Classification Criteria 13 December 2019. Collection method: clinical testing. Allele origin: germline.

Illumina Laboratory Services, Illumina
Classification: Uncertain significance for Myopathy, myofibrillar, 9, with early respiratory failure. Last evaluated: 2018-01-12. Review status: criteria provided, single submitter. Criteria: ICSL Variant Classification Criteria 13 December 2019. Collection method: clinical testing. Allele origin: germline.

GeneDx
Classification: Likely benign. Last evaluated: 2017-01-16. Review status: criteria provided, single submitter. Criteria: GeneDx Variant Classification (06012015). Collection method: clinical testing. Allele origin: germline. Affected: yes.
Comment: This variant is considered likely benign or benign based on one or more of the following criteria: it is a conservative change, it occurs at a poorly conserved position in the protein, it is predicted to be benign by multiple in silico algorithms, and/or has population frequency not consistent with disease.

NM_001267550.2(TTN):c.48054C>T (p.Ala16018=)

Genes: TTN (titin; minus strand), TTN-AS1 (TTN antisense RNA 1; plus strand). Cytogenetic location: 2q31.2.
Variant type: single nucleotide variant.
Coding change: c.48054C>T on transcript NM_001267550.2 (MANE Select); coding-DNA position 48054, C replaced by T.
Protein change: p.Ala16018=; no amino-acid change (alanine 16018 retained).
Molecular consequence: synonymous variant.
Genome position (GRCh38, 1-based): chr2:178,616,835, G>A on the plus strand (C>T on the coding strand, the complement: TTN is on the minus strand). VCF-style: chr2-178616835-G-A. GRCh37 (hg19) VCF-style: chr2-179481562-G-A.
Other names: c.43131C>T, p.Ala14377= (NM_001256850.1); c.20859C>T, p.Ala6953= (NM_003319.4); c.40350C>T, p.Ala13450= (NM_133378.4); c.21234C>T, p.Ala7078= (NM_133432.3); c.21435C>T, p.Ala7145= (NM_133437.4).
Identifiers: ClinVar variation 332851 (VCV000332851.18), dbSNP rs779940754, ClinGen allele CA1994923.